The following is an entry in ClinVar:

ClinVar aggregate classification (germline): Uncertain significance (1 of 4 stars; one submission).

Conditions:
Cowden syndrome (CS). Also called: Cowden's disease; Cowden's syndrome; Cowden disease. Identifiers: Orphanet 201, MedGen C0018553, MONDO:0016063. Disease mechanism: gain of function.

gnomAD v4.1: 2 of 1,612,728 alleles (0.00012%); highest among the groups gnomAD compares: African/African-American, 0.0027%; no homozygotes.

Submission:

Labcorp Genetics (formerly Invitae), Labcorp
Classification: Uncertain significance for Cowden syndrome. Last evaluated: 2022-01-27. Review status: criteria provided, single submitter. Criteria: Invitae Variant Classification Sherloc (09022015). Collection method: clinical testing. Allele origin: germline.
Comment: In summary, the available evidence is currently insufficient to determine the role of this variant in disease. Therefore, it has been classified as a Variant of Uncertain Significance. Algorithms developed to predict the effect of missense changes on protein structure and function (SIFT, PolyPhen-2, Align-GVGD) all suggest that this variant is likely to be tolerated. This variant has not been reported in the literature in individuals affected with PIK3CA-related conditions. This variant is not present in population databases (gnomAD no frequency). This sequence change replaces alanine, which is neutral and non-polar, with threonine, which is neutral and polar, at codon 694 of the PIK3CA protein (p.Ala694Thr).

NM_006218.4(PIK3CA):c.2080G>A (p.Ala694Thr)

Gene: PIK3CA (phosphatidylinositol-4,5-bisphosphate 3-kinase catalytic subunit alpha; plus strand). Cytogenetic location: 3q26.32.
Variant type: single nucleotide variant.
Coding change: c.2080G>A on transcript NM_006218.4 (MANE Select); coding-DNA position 2080, G replaced by A.
Protein change: p.Ala694Thr; replaces alanine 694 with threonine.
Molecular consequence: missense variant.
Genome position (GRCh38, 1-based): chr3:179,221,050, G>A. VCF-style: chr3-179221050-G-A. GRCh37 (hg19) VCF-style: chr3-178938838-G-A.
Other names: short protein forms A694T.
Identifiers: ClinVar variation 1497559 (VCV001497559.8), dbSNP rs200404201, ClinGen allele CA355268882.